The following is an entry in ClinVar:

ClinVar aggregate classification (germline): Uncertain significance (1 of 4 stars; one submission).

Submission:

Labcorp Genetics (formerly Invitae), Labcorp
Classification: Uncertain significance. Last evaluated: 2021-08-02. Review status: criteria provided, single submitter. Criteria: Invitae Variant Classification Sherloc (09022015). Collection method: clinical testing. Allele origin: germline.
Comment: In summary, the available evidence is currently insufficient to determine the role of this variant in disease. Therefore, it has been classified as a Variant of Uncertain Significance. This variant has not been reported in the literature in individuals affected with RECQL-related conditions. This variant is not present in population databases (ExAC no frequency). This sequence change creates a premature translational stop signal (p.Asn285Ilefs*21) in the RECQL gene. It is expected to result in an absent or disrupted protein product. However, the current clinical and genetic evidence is not sufficient to establish whether loss-of-function variants in RECQL cause disease.

NM_002907.4(RECQL):c.854del (p.Asn285fs)

Gene: RECQL (RecQ like helicase; minus strand). Cytogenetic location: 12p12.1.
Variant type: Deletion.
Coding change: c.854del on transcript NM_002907.4 (MANE Select); coding-DNA position 854, one base deleted (A; older notation c.854delA).
Protein change: p.Asn285fs; shifts the reading frame from asparagine 285.
Molecular consequence: frameshift variant.
Genome position (GRCh38, 1-based): chr12:21,477,816, T deleted on the plus strand (A on the coding strand, the reverse complement: RECQL is on the minus strand); the first of 3 consecutive T bases (chr12:21,477,816-21,477,818); deleting any one gives the same sequence. VCF-style (leftmost placement, unchanged base first): chr12-21477815-AT-A. GRCh37 (hg19) VCF-style: chr12-21630749-AT-A.
Other names: c.854del, p.Asn285fs (NM_032941.3); short protein forms N285fs.
Identifiers: ClinVar variation 1490110 (VCV001490110.6), dbSNP rs2137349780, ClinGen allele CA2573148451.